The following is an entry in ClinVar:

NM_007294.4(BRCA1):c.5075-2A>C

Gene: BRCA1 (BRCA1 DNA repair associated; minus strand). Cytogenetic location: 17q21.31.
Variant type: single nucleotide variant.
Coding change: c.5075-2A>C on transcript NM_007294.4 (MANE Select); the canonical splice acceptor site of the intron before coding-DNA position 5075, A replaced by C.
Molecular consequence: splice acceptor variant. On other transcripts: intron variant (2).
Genome position (GRCh38, 1-based): chr17:43,063,953, T>G on the plus strand (A>C on the coding strand, the complement: BRCA1 is on the minus strand). VCF-style: chr17-43063953-T-G. GRCh37 (hg19) VCF-style: chr17-41215970-T-G.
Other names: IVS17-2A>C; c.5075-580A>C (NM_001407652.1); c.5075-2A>C (NM_001407854.1, NM_001407598.1, NM_001407603.1 and 7 more transcripts); c.1550-2A>C (NM_001408492.1, NM_001408493.1); c.1619-2A>C (NM_001408468.1, NM_001408470.1, NM_001408469.1); c.4928-2A>C (NM_001407842.1, NM_001407846.1, NM_001407850.1 and 12 more transcripts); c.4931-2A>C (NM_001407749.1, NM_001407943.1, NM_001407748.1 and 21 more transcripts); c.1502-2A>C (NM_001408501.1, NM_001408500.1, NM_001408498.1 and 3 more transcripts); and 74 more.
Identifiers: ClinVar variation 55379 (VCV000055379.12), dbSNP rs80358066, ClinGen allele CA003207.

ClinVar aggregate classification (germline): Pathogenic/Likely pathogenic. Review status: criteria provided, multiple submitters, no conflicts (2 of 4 stars). 10 submissions from 10 submitters: Pathogenic (5); Likely pathogenic (1). 4 of the submissions do not count toward it. Last evaluated 2024-10-08.

Conditions:
Hereditary cancer-predisposing syndrome. Also called: Hereditary Cancer Syndrome; Hereditary neoplastic syndrome; Neoplastic Syndromes, Hereditary; Tumor predisposition. Identifiers: Orphanet 140162, MedGen C0027672, MeSH D009386, MONDO:0015356.
Hereditary breast ovarian cancer syndrome. Also called: BRCA1- and BRCA2-Associated Hereditary Breast and Ovarian Cancer; Hereditary breast and ovarian cancer syndrome; Hereditary breast and ovarian cancer syndrome (HBOC); Breast and ovarian cancer; Hereditary breast and/or ovarian cancer syndrome; Hereditary breast and ovarian cancer. Identifiers: Orphanet 145, MedGen C0677776, MeSH D061325, MONDO:0003582. Disease mechanism: loss of function.
Breast-ovarian cancer, familial, susceptibility to, 1 (BROVCA1). Also called: BRCA1 Hereditary Breast and Ovarian Cancer; OVARIAN CANCER, SUSCEPTIBILITY TO. Identifiers: Orphanet 145, MedGen C2676676, MONDO:0011450, OMIM 604370. Disease mechanism: loss of function.

Submissions (11):

Molecular Diagnostics Laboratory, Catalan Institute of Oncology
Classification: Pathogenic for Hereditary cancer-predisposing syndrome. Last evaluated: 2024-10-08. Review status: criteria provided, single submitter. Criteria: ClinGen BRCA1BRCA2 ACMG Specifications BRCA1 V1.0.0. Collection method: clinical testing. Allele origin: germline.
Comment: PVS1, PS3, PM2_Supporting c.5075-2A>C, located in a canonic splicing site of the BRCA1, is predicted to alter splicing, probably causing the skipping of exon 17 (18 according BIC nomenclature) (r.5075_5152del, p.(Asp1692_Trp1718delinsGly)). This alteration is expected to preserve reading frame but the altered region is critical to protein function (PVS1). It is not present in the population database gnomAD v2.1.1, non cancer dataset (PM2_supporting). BRCA1 c.5075-2A>C was reported by one calibrated study incorporating mRNA splicing effects to affect protein function similar to pathogenic control variants (PMID: 30209399) (PS3). To our knowledge, no relevant clinical data has been reported for this variant. Based on the currently available information, c.5075-2A>C is classified as a pathogenic variant according to ClinGen-BRCA1Guidelines version v1.0.0.

Ambry Genetics
Classification: Likely pathogenic for Hereditary cancer-predisposing syndrome. Last evaluated: 2023-11-10. Review status: criteria provided, single submitter. Criteria: Ambry Variant Classification Scheme 2023. Collection method: clinical testing. Allele origin: germline.
Comment: The c.5075-2A>C intronic variant results from an A to C substitution two nucleotides upstream from coding exon 16 in the BRCA1 gene. Alterations that disrupt the canonical splice site are expected to result in aberrant splicing. In silico splice site analysis predicts that this alteration will weaken the native splice acceptor site. The resulting transcript is predicted to be in-frame and is not expected to trigger nonsense-mediated mRNAdecay; however, direct evidence is insufficient (Ambry internal data). The exact functional effect of the altered amino acid sequence is unknown; however, the impacted region is critical for protein function (Ambry internal data). One functional study found that this nucleotide substitution is non-functional in a high throughput genome editing haploid cell survival assay (Findlay GM et al. Nature, 2018 Oct;562:217-222). This variant is considered to be rare based on population cohorts in the Genome Aggregation Database (gnomAD). This nucleotide position is highly conserved in available vertebrate species. Based on the majority of available evidence to date, this variant is likely to be pathogenic.

Clinical Genetics Laboratory, Skane University Hospital Lund
Classification: Pathogenic. Last evaluated: 2022-11-15. Review status: criteria provided, single submitter. Criteria: ACMG Guidelines, 2015. Collection method: clinical testing. Allele origin: germline. Affected: yes.

Laboratory for Molecular Medicine, Mass General Brigham Personalized Medicine
Classification: Pathogenic for Hereditary breast ovarian cancer syndrome. Last evaluated: 2020-06-19. Review status: criteria provided, single submitter. Criteria: ACMG Guidelines, 2015. Collection method: clinical testing. Allele origin: germline.
Comment: The c.5075-2A>C variant in BRCA1 has been identified in 10 individuals with BRCA1-related cancer (Heramb 2018 PUBMED ID: 29339979, Meisel 2017 PUBMED ID: 28324225, Park 2018 PUBMED ID: 29673794, Trujillano 2015 PUBMED: 25556971). This variant occurs within the canonical splice site (+/- 1,2) and is predicted to cause altered splicing leading to an abnormal or absent protein. Loss of function of the BRCA1 gene is an established disease mechanism in autosomal dominant hereditary breast and ovarian cancer (HBOC). In summary, this variant meets criteria to be classified as pathogenic for autosomal dominant HBOC. ACMG/AMP Criteria applied: PVS1, PM2, PS4_Moderate.

Department of Medical Genetics, Oslo University Hospital
Classification: Pathogenic for Breast-ovarian cancer, familial, susceptibility to, 1. Last evaluated: 2017-01-20. Review status: criteria provided, single submitter. Criteria: ACMG Guidelines, 2015. Collection method: clinical testing. Allele origin: germline. Affected: yes. Observed: 39 variant alleles.

Consortium of Investigators of Modifiers of BRCA1/2 (CIMBA), c/o University of Cambridge
Classification: Pathogenic for Breast-ovarian cancer, familial, susceptibility to, 1. Last evaluated: 2015-10-02. Review status: criteria provided, single submitter. Criteria: CIMBA Mutation Classification guidelines May 2016. Collection method: clinical testing. Allele origin: germline.

BRCAlab, Lund University
Classification: Pathogenic for Breast-ovarian cancer, familial, susceptibility to, 1. Last evaluated: 2020-03-02. Review status: no assertion criteria provided. Collection method: clinical testing. Allele origin: germline. Affected: yes. Not counted in ClinVar's aggregate classification.

Research Molecular Genetics Laboratory, Women's College Hospital, University of Toronto
Classification: Pathogenic for Hereditary breast ovarian cancer syndrome. Last evaluated: 2014-01-31. Review status: no assertion criteria provided. Collection method: research. Allele origin: germline. Affected: yes. Study: The Canadian Open Genetics Repository (COGR). Not counted in ClinVar's aggregate classification.

Breast Cancer Information Core (BIC) (BRCA1)
Classification: Pathogenic for Breast-ovarian cancer, familial 1. Review status: no assertion criteria provided. Collection method: clinical testing. Allele origin: germline. Affected: yes. Observed: 1 variant allele. Not counted in ClinVar's aggregate classification.

Brotman Baty Institute, University of Washington
No classification provided (evidence only). Condition: Breast-ovarian cancer, familial 1. Review status: no classification provided. Collection method: in vitro. Allele origin: not applicable. Functional consequence: functionally_abnormal. Not counted in ClinVar's aggregate classification.
ClinVar note: "not provided" was previously submitted as the classification for the variant. However, the classification appeared to be based only on an observation of functional data so it was converted to no classification on 2025-07-30.

Department of Pathology and Laboratory Medicine, Sinai Health System
Classification: Pathogenic. Review status: no assertion criteria provided. Collection method: clinical testing. Allele origin: unknown. Affected: yes. Observed: 1 variant allele. Study: The Canadian Open Genetics Repository (COGR). Not counted in ClinVar's aggregate classification.

Literature cited by the submitters: PubMed 30209399 (cited by Ambry Genetics and Laboratory for Molecular Medicine, Mass General Brigham Personalized Medicine); PubMed 28324225 (cited by Laboratory for Molecular Medicine, Mass General Brigham Personalized Medicine); PubMed 9482581 (cited by Laboratory for Molecular Medicine, Mass General Brigham Personalized Medicine); PubMed 29339979 (cited by Laboratory for Molecular Medicine, Mass General Brigham Personalized Medicine); PubMed 29446198 (cited by Laboratory for Molecular Medicine, Mass General Brigham Personalized Medicine); PubMed 25525159 (cited by Laboratory for Molecular Medicine, Mass General Brigham Personalized Medicine); PubMed 23199084 (cited by Laboratory for Molecular Medicine, Mass General Brigham Personalized Medicine); PubMed 25556971 (cited by Laboratory for Molecular Medicine, Mass General Brigham Personalized Medicine); PubMed 23239986 (cited by Laboratory for Molecular Medicine, Mass General Brigham Personalized Medicine); PubMed 29673794 (cited by Laboratory for Molecular Medicine, Mass General Brigham Personalized Medicine).